The following is an entry in ClinVar:

ClinVar aggregate classification (germline): Benign/Likely benign. Review status: criteria provided, multiple submitters, no conflicts (2 of 4 stars). 3 submissions from 3 submitters: Benign (1); Likely benign (2). Last evaluated 2026-04-29.

Conditions:
Colorectal cancer, hereditary nonpolyposis, type 7. Identifiers: Orphanet 144, MedGen C1858380, MONDO:0013725, OMIM 614385.

Submissions (3):

Myriad Genetics, Inc.
Classification: Benign for Colorectal cancer, hereditary nonpolyposis, type 7. Last evaluated: 2026-04-29. Review status: criteria provided, single submitter. Criteria: Myriad Autosomal Dominant, Autosomal Recessive and X-Linked Classification Criteria (2023). Collection method: clinical testing. Allele origin: unknown.
Comment: This variant is considered benign. This variant is a silent/synonymous amino acid change and it is not expected to impact splicing.

Labcorp Genetics (formerly Invitae), Labcorp
Classification: Likely benign for Colorectal cancer, hereditary nonpolyposis, type 7. Last evaluated: 2020-10-08. Review status: criteria provided, single submitter. Criteria: Invitae Variant Classification Sherloc (09022015). Collection method: clinical testing. Allele origin: germline.

Ambry Genetics
Classification: Likely benign. Last evaluated: 2019-12-05. Review status: criteria provided, single submitter. Criteria: Ambry Variant Classification Scheme 2023. Collection method: clinical testing. Allele origin: germline.

NM_001040108.2(MLH3):c.858C>A (p.Thr286=)

Gene: MLH3 (mutL homolog 3; minus strand). Cytogenetic location: 14q24.3.
Variant type: single nucleotide variant.
Coding change: c.858C>A on transcript NM_001040108.2 (MANE Select); coding-DNA position 858, C replaced by A.
Protein change: p.Thr286=; no amino-acid change (threonine 286 retained).
Molecular consequence: synonymous variant.
Genome position (GRCh38, 1-based): chr14:75,048,798, G>T on the plus strand (C>A on the coding strand, the complement: MLH3 is on the minus strand). VCF-style: chr14-75048798-G-T. GRCh37 (hg19) VCF-style: chr14-75515501-G-T.
Other names: c.858C>A, p.Thr286= (NM_014381.3).
Identifiers: ClinVar variation 1139340 (VCV001139340.12), dbSNP rs2139597118, ClinGen allele CA487274242.